The following is an entry in ClinVar:

ClinVar aggregate classification (germline): Likely pathogenic (1 of 4 stars; one submission).

Conditions:
Dilated cardiomyopathy 1G (CMD1G). Identifiers: Orphanet 154, MedGen C1858763, MONDO:0011400, OMIM 604145.
Autosomal recessive limb-girdle muscular dystrophy type 2J (LGMDR10). Also called: MUSCULAR DYSTROPHY, LIMB-GIRDLE, AUTOSOMAL RECESSIVE 10; Limb-girdle muscular dystrophy, type 2J. Identifiers: Orphanet 140922, MedGen C1837342, MONDO:0012127, OMIM 608807.

Submission:

Labcorp Genetics (formerly Invitae), Labcorp
Classification: Likely pathogenic for Dilated cardiomyopathy 1G; Autosomal recessive limb-girdle muscular dystrophy type 2J. Last evaluated: 2021-11-15. Review status: criteria provided, single submitter. Criteria: Invitae Variant Classification Sherloc (09022015). Collection method: clinical testing. Allele origin: germline.
Comment: This variant is not present in population databases (gnomAD no frequency). In summary, the currently available evidence indicates that the variant is pathogenic, but additional data are needed to prove that conclusively. Therefore, this variant has been classified as Likely Pathogenic. This variant is located in the A band of TTN (PMID: 25589632). Truncating variants in this region are significantly overrepresented in patients affected with dilated cardiomyopathy (PMID: 25589632). Truncating variants in this region have also been reported in individuals affected with autosomal recessive centronuclear myopathy (PMID: 23975875). This variant has not been reported in the literature in individuals affected with TTN-related conditions. This sequence change creates a premature translational stop signal (p.Ile19435Serfs*29) in the TTN gene. While this is not anticipated to result in nonsense mediated decay, it is expected to create a truncated TTN protein.

Literature cited by the submitters: PubMed 25589632; PubMed 23975875.

NM_001267550.2(TTN):c.58304_58317del (p.Ile19435fs)

Genes: TTN-AS1 (TTN antisense RNA 1; plus strand), TTN (titin; minus strand). Cytogenetic location: 2q31.2.
Variant type: Deletion.
Coding change: c.58304_58317del on transcript NM_001267550.2 (MANE Select); coding-DNA positions 58304 to 58317, 14 bases deleted (TAAAGACTACACCA).
Protein change: p.Ile19435fs; shifts the reading frame from isoleucine 19435.
Molecular consequence: frameshift variant.
Genome position (GRCh38, 1-based): chr2:178,594,076-178,594,089, TGGTGTAGTCTTTA deleted on the plus strand (TAAAGACTACACCA on the coding strand, the reverse complement: TTN is on the minus strand); deleting any 14 consecutive bases within chr2:178,594,076-178,594,090 gives the same sequence; the c. name uses the placement nearest the transcript's 3' end. VCF-style (leftmost placement, unchanged base first): chr2-178594075-CTGGTGTAGTCTTTA-C. GRCh37 (hg19) VCF-style: chr2-179458802-CTGGTGTAGTCTTTA-C.
Other names: c.53381_53394del, p.Ile17794fs (NM_001256850.1); c.31109_31122del, p.Ile10370fs (NM_003319.4); c.50600_50613del, p.Ile16867fs (NM_133378.4); c.31484_31497del, p.Ile10495fs (NM_133432.3); c.31685_31698del, p.Ile10562fs (NM_133437.4); short protein forms I10495fs, I19435fs, I16867fs, I10370fs, I10562fs, I17794fs.
Identifiers: ClinVar variation 1472827 (VCV001472827.6), dbSNP rs2154186968, ClinGen allele CA2573133788.